The following is an entry in ClinVar:

ClinVar aggregate classification (germline): Likely pathogenic (1 of 4 stars; one submission).

Conditions:
Microcephalic primordial dwarfism due to RTTN deficiency (MSSP). Also called: MICROCEPHALY, SHORT STATURE, AND POLYMICROGYRIA; Microcephaly, short stature, and polymicrogyria with or without seizures. Identifiers: Orphanet 468631, MedGen C3553831, MONDO:0018764, OMIM 614833.

Submission:

3billion
Classification: Likely pathogenic for Microcephalic primordial dwarfism due to RTTN deficiency. Last evaluated: 2026-01-22. Review status: criteria provided, single submitter. Criteria: ACMG Guidelines, 2015. Collection method: clinical testing. Allele origin: germline. Affected: yes.
Comment: The variant is not observed in the gnomAD v4.1.0 dataset. Predicted Consequence/Location: Canonical splice site: predicted to alter splicing and result in a loss or disruption of normal protein function. Multiple pathogenic loss-of-function variants are reported downstream of the variant. In silico tools predict the variant to alter splicing and produce an abnormal transcript [SpliceAI: 0.98 (spliceogenicity >=0.2, non-spliceogenicity <0.1)]. Therefore, this variant is classified as Likely pathogenic according to the recommendation of ACMG/AMP guideline.

NM_173630.4(RTTN):c.4374+1G>T

Gene: RTTN (rotatin; minus strand). Cytogenetic location: 18q22.2.
Variant type: single nucleotide variant.
Coding change: c.4374+1G>T on transcript NM_173630.4 (MANE Select); the canonical splice donor site of the intron after coding-DNA position 4374, G replaced by T.
Molecular consequence: splice donor variant.
Genome position (GRCh38, 1-based): chr18:70,086,612, C>A on the plus strand (G>T on the coding strand, the complement: RTTN is on the minus strand). VCF-style: chr18-70086612-C-A. GRCh37 (hg19) VCF-style: chr18-67753848-C-A.
Other names: c.1638+1G>T (NM_001318520.2).
Identifiers: ClinVar variation 4854024 (VCV004854024.1).